The following is an entry in ClinVar:

NM_002427.4(MMP13):c.1220A>T (p.Asp407Val)

Gene: MMP13 (matrix metallopeptidase 13; minus strand). Cytogenetic location: 11q22.2.
Variant type: single nucleotide variant.
Coding change: c.1220A>T on transcript NM_002427.4 (MANE Select); coding-DNA position 1220, A replaced by T.
Protein change: p.Asp407Val; replaces aspartic acid 407 with valine.
Molecular consequence: missense variant.
Genome position (GRCh38, 1-based): chr11:102,945,741, T>A on the plus strand (A>T on the coding strand, the complement: MMP13 is on the minus strand). VCF-style: chr11-102945741-T-A. GRCh37 (hg19) VCF-style: chr11-102816470-T-A.
Other names: short protein forms D407V.
Identifiers: ClinVar variation 3012756 (VCV003012756.3), dbSNP rs1412622791, ClinGen allele CA382226361.

ClinVar aggregate classification (germline): Uncertain significance (1 of 4 stars; one submission).

Allele frequency attached by ClinVar (database versions not stated): gnomAD 0.00001.
gnomAD v4.1: 1 of 1,546,944 alleles (0.000065%); highest among the groups gnomAD compares: African/African-American, 0.0014%; no homozygotes.

Submission:

Labcorp Genetics (formerly Invitae), Labcorp
Classification: Uncertain significance. Last evaluated: 2024-04-08. Review status: criteria provided, single submitter. Criteria: Invitae Variant Classification Sherloc (09022015). Collection method: clinical testing. Allele origin: germline.
Comment: This sequence change replaces aspartic acid, which is acidic and polar, with valine, which is neutral and non-polar, at codon 407 of the MMP13 protein (p.Asp407Val). This variant is not present in population databases (gnomAD no frequency). This variant has not been reported in the literature in individuals affected with MMP13-related conditions. Advanced modeling of protein sequence and biophysical properties (such as structural, functional, and spatial information, amino acid conservation, physicochemical variation, residue mobility, and thermodynamic stability) performed at Invitae indicates that this missense variant is not expected to disrupt MMP13 protein function with a negative predictive value of 80%. In summary, the available evidence is currently insufficient to determine the role of this variant in disease. Therefore, it has been classified as a Variant of Uncertain Significance.